The following is an entry in ClinVar:

NM_001378452.1(ITPR1):c.367-20T>G

Gene: ITPR1 (inositol 1,4,5-trisphosphate receptor type 1; plus strand). Cytogenetic location: 3p26.1.
Variant type: single nucleotide variant.
Coding change: c.367-20T>G on transcript NM_001378452.1 (MANE Select); 20 bases into the intron before coding-DNA position 367, T replaced by G.
Molecular consequence: intron variant.
Genome position (GRCh38, 1-based): chr3:4,642,073, T>G. VCF-style: chr3-4642073-T-G. GRCh37 (hg19) VCF-style: chr3-4683757-T-G.
Other names: c.367-20T>G (NM_001099952.4, NM_001168272.2, NM_002222.7).
Identifiers: ClinVar variation 2751258 (VCV002751258.3), dbSNP rs1340577937, ClinGen allele CA907591618.
Genomic context (GRCh38, chr3:4,642,073, plus strand): 5'-TAGTTGGTATGATTGAGAGAAGGAATGGTAGAAAATTCAGATTTGCTGACACTCACTTTA[T>G]TCTCTTGGTGGGTTTTTAGCTCCTGCATTTGAAAAGTAATAAATACCTAACAGTGAATAA-3'

ClinVar aggregate classification (germline): Uncertain significance (1 of 4 stars; one submission).

Allele frequency attached by ClinVar (database versions not stated): TOPMed below 0.00001; gnomAD 0.00001.
gnomAD v4.1: 1 of 1,557,138 alleles (0.000064%); highest among the groups gnomAD compares: Non-Finnish European, 0.000087%; no homozygotes.

Submission:

Labcorp Genetics (formerly Invitae), Labcorp
Classification: Uncertain significance. Last evaluated: 2023-08-08. Review status: criteria provided, single submitter. Criteria: Invitae Variant Classification Sherloc (09022015). Collection method: clinical testing. Allele origin: germline.
Comment: This sequence change falls in intron 6 of the ITPR1 gene. It does not directly change the encoded amino acid sequence of the ITPR1 protein. This variant is not present in population databases (gnomAD no frequency). This variant has not been reported in the literature in individuals affected with ITPR1-related conditions. Algorithms developed to predict the effect of sequence changes on RNA splicing suggest that this variant may create or strengthen a splice site. In summary, the available evidence is currently insufficient to determine the role of this variant in disease. Therefore, it has been classified as a Variant of Uncertain Significance.